The following is an entry in ClinVar:

ClinVar aggregate classification (germline): Pathogenic (1 of 4 stars; one submission).

Submission:

Labcorp Genetics (formerly Invitae), Labcorp
Classification: Pathogenic. Last evaluated: 2022-11-26. Review status: criteria provided, single submitter. Criteria: Invitae Variant Classification Sherloc (09022015). Collection method: clinical testing. Allele origin: germline.
Comment: This sequence change creates a premature translational stop signal (p.Gln119*) in the RELA gene. It is expected to result in an absent or disrupted protein product. Loss-of-function variants in RELA are known to be pathogenic (PMID: 28600438). This variant is not present in population databases (gnomAD no frequency). This variant has not been reported in the literature in individuals affected with RELA-related conditions. Algorithms developed to predict the effect of sequence changes on RNA splicing suggest that this variant may disrupt the consensus splice site. For these reasons, this variant has been classified as Pathogenic.

Literature cited by the submitters: PubMed 28600438.

NM_021975.4(RELA):c.355C>T (p.Gln119Ter)

Gene: RELA (RELA proto-oncogene, NF-kB subunit; minus strand). Cytogenetic location: 11q13.1.
Variant type: single nucleotide variant.
Coding change: c.355C>T on transcript NM_021975.4 (MANE Select); coding-DNA position 355, C replaced by T.
Protein change: p.Gln119Ter; replaces glutamine 119 with a stop codon.
Molecular consequence: nonsense. On other transcripts: intron variant (1).
Genome position (GRCh38, 1-based): chr11:65,660,196, G>A on the plus strand (C>T on the coding strand, the complement: RELA is on the minus strand). VCF-style: chr11-65660196-G-A. GRCh37 (hg19) VCF-style: chr11-65427667-G-A.
Other names: c.388C>T, p.Gln130Ter (NM_001404657.1); c.328C>T, p.Gln110Ter (NM_001404658.1); c.355C>T, p.Gln119Ter (NM_001404659.1, NM_001404660.1, NM_001145138.2 and 2 more transcripts); c.262C>T, p.Gln88Ter (NM_001404662.1, NM_001404663.1); c.47-399C>T (NM_001404661.1); short protein forms Q110*, Q130*, Q119*, Q88*.
Identifiers: ClinVar variation 2816833 (VCV002816833.3), dbSNP rs2496858372, ClinGen allele CA381393698.